The following is an entry in ClinVar:

NM_001211.6(BUB1B):c.505A>G (p.Arg169Gly)

Gene: BUB1B (BUB1 mitotic checkpoint serine/threonine kinase B; plus strand). Cytogenetic location: 15q15.1.
Variant type: single nucleotide variant.
Coding change: c.505A>G on transcript NM_001211.6 (MANE Select); coding-DNA position 505, A replaced by G.
Protein change: p.Arg169Gly; replaces arginine 169 with glycine.
Molecular consequence: missense variant.
Genome position (GRCh38, 1-based): chr15:40,176,597, A>G. VCF-style: chr15-40176597-A-G. GRCh37 (hg19) VCF-style: chr15-40468798-A-G.
Other names: short protein forms R169G.
Identifiers: ClinVar variation 1059993 (VCV001059993.11), dbSNP rs2037226561, ClinGen allele CA391681309.
Genomic context (GRCh38, chr15:40,176,597, plus strand): 5'-GTTTCACTTGCTCAGTTCTATATCTCATGGGCAGAAGAATATGAAGCTAGAGAAAACTTT[A>G]GGAAAGCAGATGCGATATTTCAGGAAGGGATTCAACAGAAGGCTGAACCACTAGAAAGAC-3'
Protein context (NP_001202.5, residues 159-179): AEEYEARENF[Arg169Gly]KADAIFQEGI

ClinVar aggregate classification (germline): Uncertain significance. Review status: criteria provided, multiple submitters, no conflicts (2 of 4 stars). 2 submissions from 2 submitters: Uncertain significance (2). Last evaluated 2023-02-27.

Conditions:
Inborn genetic diseases. Identifiers: MedGen C0950123, MeSH D030342.
Mosaic variegated aneuploidy syndrome 1 (MVA1). Also called: Warburton-Anyane-Yeboa syndrome. Identifiers: Orphanet 1052, MedGen C1850343, MONDO:0009759, OMIM 257300.

Allele frequency attached by ClinVar (database versions not stated): gnomAD exomes below 0.00001; TOPMed below 0.00001.
gnomAD v4.1: 1 of 1,614,148 alleles (0.000062%); highest among the groups gnomAD compares: Non-Finnish European, 0.000085%; no homozygotes.

Submissions (2):

Labcorp Genetics (formerly Invitae), Labcorp
Classification: Uncertain significance for Mosaic variegated aneuploidy syndrome 1. Last evaluated: 2023-02-27. Review status: criteria provided, single submitter. Criteria: Invitae Variant Classification Sherloc (09022015). Collection method: clinical testing. Allele origin: germline.
Comment: In summary, the available evidence is currently insufficient to determine the role of this variant in disease. Therefore, it has been classified as a Variant of Uncertain Significance. An algorithm developed to predict the effect of missense changes on protein structure and function (PolyPhen-2) suggests that this variant is likely to be tolerated. ClinVar contains an entry for this variant (Variation ID: 1059993). This variant has not been reported in the literature in individuals affected with BUB1B-related conditions. This variant is not present in population databases (gnomAD no frequency). This sequence change replaces arginine, which is basic and polar, with glycine, which is neutral and non-polar, at codon 169 of the BUB1B protein (p.Arg169Gly).

Ambry Genetics
Classification: Uncertain significance for Inborn genetic diseases. Last evaluated: 2022-04-30. Review status: criteria provided, single submitter. Criteria: Ambry Variant Classification Scheme 2023. Collection method: clinical testing. Allele origin: germline.
Comment: The p.R169G variant (also known as c.505A>G), located in coding exon 5 of the BUB1B gene, results from an A to G substitution at nucleotide position 505. The arginine at codon 169 is replaced by glycine, an amino acid with dissimilar properties. This amino acid position is conserved. In addition, this alteration is predicted to be tolerated by in silico analysis. Since supporting evidence is limited at this time, the clinical significance of this alteration remains unclear.